The following is an entry in ClinVar:

NM_000051.4(ATM):c.8691C>G (p.Gly2897=)

Genes: ATM (ATM serine/threonine kinase; plus strand), C11orf65 (chromosome 11 open reading frame 65; minus strand). Cytogenetic location: 11q22.3.
Variant type: single nucleotide variant.
Coding change: c.8691C>G on transcript NM_000051.4 (MANE Select); coding-DNA position 8691, C replaced by G.
Protein change: p.Gly2897=; no amino-acid change (glycine 2897 retained).
Molecular consequence: synonymous variant. On other transcripts: intron variant (2).
Genome position (GRCh38, 1-based): chr11:108,353,785, C>G. VCF-style: chr11-108353785-C-G. GRCh37 (hg19) VCF-style: chr11-108224512-C-G.
Other names: c.8691C>G, p.Gly2897= (NM_001351834.2); c.640+32135G>C (NM_001330368.2); c.695-18493G>C (NM_001351110.2).
Identifiers: ClinVar variation 3253796 (VCV003253796.1), dbSNP rs1555142814.

ClinVar aggregate classification (germline): Benign (1 of 4 stars; one submission).

Conditions:
Familial cancer of breast. Also called: hereditary breast carcinoma; BREAST CANCER, FAMILIAL; Hereditary breast cancer. Identifiers: Orphanet 227535, MedGen C0346153, MONDO:0016419, OMIM 114480. Disease mechanism: loss of function.

Submission:

Myriad Genetics, Inc.
Classification: Benign for Familial cancer of breast. Last evaluated: 2024-06-20. Review status: criteria provided, single submitter. Criteria: Myriad Autosomal Dominant, Autosomal Recessive and X-Linked Classification Criteria (2023). Collection method: clinical testing. Allele origin: unknown.
Comment: This variant is considered benign. This variant is a silent/synonymous amino acid change and it is not expected to impact splicing.